The following is an entry in ClinVar:

ClinVar aggregate classification (germline): Uncertain significance (1 of 4 stars; one submission).

Conditions:
Multiple congenital anomalies-hypotonia-seizures syndrome 1 (MCAHS1). Also called: PIGN-CDG; Congenital disorder of glycosylation due to PIGN deficiency; GLYCOSYLPHOSPHATIDYLINOSITOL BIOSYNTHESIS DEFECT 3. Identifiers: Orphanet 280633, MedGen C3279775, MONDO:0013563, OMIM 614080.

Submission:

Labcorp Genetics (formerly Invitae), Labcorp
Classification: Uncertain significance for Multiple congenital anomalies-hypotonia-seizures syndrome 1. Last evaluated: 2022-11-08. Review status: criteria provided, single submitter. Criteria: Invitae Variant Classification Sherloc (09022015). Collection method: clinical testing. Allele origin: germline.
Comment: Advanced modeling of protein sequence and biophysical properties (such as structural, functional, and spatial information, amino acid conservation, physicochemical variation, residue mobility, and thermodynamic stability) performed at Invitae indicates that this missense variant is expected to disrupt PIGN protein function. This variant has not been reported in the literature in individuals affected with PIGN-related conditions. This variant is not present in population databases (gnomAD no frequency). This sequence change replaces tryptophan, which is neutral and slightly polar, with cysteine, which is neutral and slightly polar, at codon 885 of the PIGN protein (p.Trp885Cys). In summary, the available evidence is currently insufficient to determine the role of this variant in disease. Therefore, it has been classified as a Variant of Uncertain Significance.

NM_176787.5(PIGN):c.2655G>C (p.Trp885Cys)

Gene: PIGN (phosphatidylinositol glycan anchor biosynthesis class N; minus strand). Cytogenetic location: 18q21.33.
Variant type: single nucleotide variant.
Coding change: c.2655G>C on transcript NM_176787.5 (MANE Select); coding-DNA position 2655, G replaced by C.
Protein change: p.Trp885Cys; replaces tryptophan 885 with cysteine.
Molecular consequence: missense variant.
Genome position (GRCh38, 1-based): chr18:62,072,690, C>G on the plus strand (G>C on the coding strand, the complement: PIGN is on the minus strand). VCF-style: chr18-62072690-C-G. GRCh37 (hg19) VCF-style: chr18-59739923-C-G.
Other names: c.2655G>C, p.Trp885Cys (NM_012327.6); short protein forms W885C.
Identifiers: ClinVar variation 2086119 (VCV002086119.4), dbSNP rs2512183956, ClinGen allele CA402723448.